The following is an entry in ClinVar:

ClinVar aggregate classification (germline): Uncertain significance. Review status: criteria provided, multiple submitters, no conflicts (2 of 4 stars). 2 submissions from 2 submitters: Uncertain significance (2). Last evaluated 2025-01-03.

Conditions:
Inborn genetic diseases. Identifiers: MedGen C0950123, MeSH D030342.
TH-deficient dopa-responsive dystonia. Also called: Tyrosine Hydroxylase-Deficient Dopa-Responsive Dystonia; Segawa syndrome, autosomal recessive; DYT-TH. Identifiers: Orphanet 101150, MedGen C2673535, MONDO:0011551, OMIM 605407.

Allele frequency attached by ClinVar (database versions not stated): ExAC 0.00003; gnomAD 0.00003; TOPMed 0.00003.

Submissions (2):

Ambry Genetics
Classification: Uncertain significance for Inborn genetic diseases. Last evaluated: 2025-01-03. Review status: criteria provided, single submitter. Criteria: Ambry Variant Classification Scheme 2023. Collection method: clinical testing. Allele origin: germline.

Labcorp Genetics (formerly Invitae), Labcorp
Classification: Uncertain significance for TH-deficient dopa-responsive dystonia. Last evaluated: 2022-08-22. Review status: criteria provided, single submitter. Criteria: Invitae Variant Classification Sherloc (09022015). Collection method: clinical testing. Allele origin: germline.
Comment: This sequence change replaces arginine, which is basic and polar, with glutamine, which is neutral and polar, at codon 169 of the TH protein (p.Arg169Gln). This variant is present in population databases (rs769287275, gnomAD 0.01%). This variant has not been reported in the literature in individuals affected with TH-related conditions. Advanced modeling of protein sequence and biophysical properties (such as structural, functional, and spatial information, amino acid conservation, physicochemical variation, residue mobility, and thermodynamic stability) performed at Invitae indicates that this missense variant is not expected to disrupt TH protein function. In summary, the available evidence is currently insufficient to determine the role of this variant in disease. Therefore, it has been classified as a Variant of Uncertain Significance.

NM_000360.4(TH):c.413G>A (p.Arg138Gln)

Gene: TH (tyrosine hydroxylase; minus strand). Cytogenetic location: 11p15.5.
Variant type: single nucleotide variant.
Coding change: c.413G>A on transcript NM_000360.4 (MANE Select); coding-DNA position 413, G replaced by A.
Protein change: p.Arg138Gln; replaces arginine 138 with glutamine.
Molecular consequence: missense variant.
Genome position (GRCh38, 1-based): chr11:2,168,565, C>T on the plus strand (G>A on the coding strand, the complement: TH is on the minus strand). VCF-style: chr11-2168565-C-T. GRCh37 (hg19) VCF-style: chr11-2189795-C-T.
Other names: c.506G>A, p.Arg169Gln (NM_199292.3); c.494G>A, p.Arg165Gln (NM_199293.3); c.506G>A (NM_199292.2); short protein forms R169Q, R138Q, R165Q.
Identifiers: ClinVar variation 1977214 (VCV001977214.3), dbSNP rs769287275, ClinGen allele CA5818670.